The following is an entry in ClinVar:

NM_173560.4(RFX6):c.57A>G (p.Gln19=)

Genes: RFX6 (regulatory factor X6; plus strand), LOC127407129 (RFX6 promoter region; plus strand). Cytogenetic location: 6q22.1.
Variant type: single nucleotide variant.
Coding change: c.57A>G on transcript NM_173560.4 (MANE Select); coding-DNA position 57, A replaced by G.
Protein change: p.Gln19=; no amino-acid change (glutamine 19 retained).
Molecular consequence: synonymous variant.
Genome position (GRCh38, 1-based): chr6:116,877,332, A>G. VCF-style: chr6-116877332-A-G. GRCh37 (hg19) VCF-style: chr6-117198495-A-G.
Identifiers: ClinVar variation 3058200 (VCV003058200.2), dbSNP rs769415472, ClinGen allele CA3972923.

ClinVar aggregate classification (germline): Likely benign (0 of 4 stars; one submission).

Conditions:
RFX6-related disorder. Also called: RFX6-related condition.

Allele frequency attached by ClinVar (database versions not stated): ExAC 0.00002.
gnomAD v4.1: 17 of 1,613,028 alleles (0.0011%); highest among the groups gnomAD compares: African/African-American, 0.0013%; no homozygotes.

Submission:

PreventionGenetics, part of Exact Sciences
Classification: Likely benign for RFX6-related condition. Last evaluated: 2021-07-21. Review status: no assertion criteria provided. Collection method: clinical testing. Allele origin: germline.
Comment: This variant is classified as likely benign based on ACMG/AMP sequence variant interpretation guidelines (Richards et al. 2015 PMID: 25741868, with internal and published modifications).